The following is an entry in ClinVar:

NM_007186.6(CEP250):c.5105dup (p.Arg1703fs)

Gene: CEP250 (centrosomal protein 250; plus strand). Cytogenetic location: 20q11.22.
Variant type: Duplication.
Coding change: c.5105dup on transcript NM_007186.6 (MANE Select); coding-DNA position 5105, one base duplicated (A; older notation c.5105dupA).
Protein change: p.Arg1703fs; shifts the reading frame from arginine 1703.
Molecular consequence: frameshift variant.
Genome position (GRCh38, 1-based): chr20:35,503,474, A duplicated. VCF-style (leftmost placement, unchanged base first): chr20-35503473-C-CA. GRCh37 (hg19) VCF-style: chr20-34091301-C-CA.
Other names: c.3209dup, p.Arg1071fs (NM_001318219.1); short protein forms R1071fs, R1703fs.
Identifiers: ClinVar variation 2098837 (VCV002098837.4), dbSNP rs1303416855, ClinGen allele CA635722306.

ClinVar aggregate classification (germline): Pathogenic (1 of 4 stars; one submission).

Allele frequency attached by ClinVar (database versions not stated): gnomAD exomes below 0.00001; TOPMed below 0.00001; gnomAD 0.00001.

Submission:

Labcorp Genetics (formerly Invitae), Labcorp
Classification: Pathogenic. Last evaluated: 2025-04-16. Review status: criteria provided, single submitter. Criteria: Invitae Variant Classification Sherloc (09022015). Collection method: clinical testing. Allele origin: germline.
Comment: This sequence change creates a premature translational stop signal (p.Arg1703Glufs*16) in the CEP250 gene. It is expected to result in an absent or disrupted protein product. Loss-of-function variants in CEP250 are known to be pathogenic (PMID: 24780881, 29718797). This variant is present in population databases (no rsID available, gnomAD 0.01%). This variant has not been reported in the literature in individuals affected with CEP250-related conditions. ClinVar contains an entry for this variant (Variation ID: 2098837). For these reasons, this variant has been classified as Pathogenic.

Literature cited by the submitters: PubMed 24780881; PubMed 29718797.